The following is an entry in ClinVar:

ClinVar aggregate classification (germline): Uncertain significance (1 of 4 stars; one submission).

Conditions:
Nephronophthisis 14 (NPHP14). Identifiers: Orphanet 2318, MedGen C3539071, MONDO:0013916, OMIM 614844.

Submission:

Labcorp Genetics (formerly Invitae), Labcorp
Classification: Uncertain significance for Nephronophthisis 14. Last evaluated: 2021-12-24. Review status: criteria provided, single submitter. Criteria: Invitae Variant Classification Sherloc (09022015). Collection method: clinical testing. Allele origin: germline.
Comment: This variant is not present in population databases (gnomAD no frequency). This sequence change replaces arginine, which is basic and polar, with proline, which is neutral and non-polar, at codon 86 of the ZNF423 protein (p.Arg86Pro). Algorithms developed to predict the effect of missense changes on protein structure and function are either unavailable or do not agree on the potential impact of this missense change (SIFT: "Tolerated"; PolyPhen-2: "Possibly Damaging"; Align-GVGD: "Class C0"). This variant has not been reported in the literature in individuals affected with ZNF423-related conditions. In summary, the available evidence is currently insufficient to determine the role of this variant in disease. Therefore, it has been classified as a Variant of Uncertain Significance.

NM_001379286.1(ZNF423):c.281G>C (p.Arg94Pro)

Gene: ZNF423 (zinc finger protein 423; minus strand). Cytogenetic location: 16q12.1.
Variant type: single nucleotide variant.
Coding change: c.281G>C on transcript NM_001379286.1 (MANE Select); coding-DNA position 281, G replaced by C.
Protein change: p.Arg94Pro; replaces arginine 94 with proline.
Molecular consequence: missense variant.
Genome position (GRCh38, 1-based): chr16:49,730,791, C>G on the plus strand (G>C on the coding strand, the complement: ZNF423 is on the minus strand). VCF-style: chr16-49730791-C-G. GRCh37 (hg19) VCF-style: chr16-49764702-C-G.
Other names: c.77G>C, p.Arg26Pro (NM_001271620.2); c.257G>C, p.Arg86Pro (NM_015069.5); short protein forms R26P, R94P, R86P.
Identifiers: ClinVar variation 2059119 (VCV002059119.4), dbSNP rs762845994, ClinGen allele CA396110196.